The following is an entry in ClinVar:

ClinVar aggregate classification (germline): Uncertain significance (1 of 4 stars; one submission).

gnomAD v4.1: 9 of 1,546,090 alleles (0.00058%); highest among the groups gnomAD compares: Non-Finnish European, 0.00079%; no homozygotes.

Submission:

GeneDx
Classification: Uncertain significance. Last evaluated: 2025-03-23. Review status: criteria provided, single submitter. Criteria: GeneDx Variant Classification Process June 2021. Collection method: clinical testing. Allele origin: germline. Affected: yes.
Comment: Not observed at significant frequency in large population cohorts (gnomAD); In silico analysis supports that this missense variant has a deleterious effect on protein structure/function; Has not been previously published as pathogenic or benign to our knowledge

NM_001145026.2(PTPRQ):c.5057A>G (p.Asp1686Gly)

Gene: PTPRQ (protein tyrosine phosphatase receptor type Q; plus strand). Cytogenetic location: 12q21.31.
Variant type: single nucleotide variant.
Coding change: c.5057A>G on transcript NM_001145026.2 (MANE Select); coding-DNA position 5057, A replaced by G.
Protein change: p.Asp1686Gly; replaces aspartic acid 1686 with glycine.
Molecular consequence: missense variant.
Genome position (GRCh38, 1-based): chr12:80,613,730, A>G. VCF-style: chr12-80613730-A-G. GRCh37 (hg19) VCF-style: chr12-81007509-A-G.
Other names: short protein forms D1686G.
Identifiers: ClinVar variation 4088262 (VCV004088262.1).